The following is an entry in ClinVar:

NM_001258392.3(CLPB):c.1704G>A (p.Thr568=)

Gene: CLPB (ClpB family mitochondrial disaggregase; minus strand). Cytogenetic location: 11q13.4.
Variant type: single nucleotide variant.
Coding change: c.1704G>A on transcript NM_001258392.3 (MANE Select); coding-DNA position 1704, G replaced by A.
Protein change: p.Thr568=; no amino-acid change (threonine 568 retained).
Molecular consequence: synonymous variant.
Genome position (GRCh38, 1-based): chr11:72,294,103, C>T on the plus strand (G>A on the coding strand, the complement: CLPB is on the minus strand). VCF-style: chr11-72294103-C-T. GRCh37 (hg19) VCF-style: chr11-72005147-C-T.
Other names: p.Thr598=; c.1617G>A, p.Thr539= (NM_001258393.3); c.1659G>A, p.Thr553= (NM_001258394.3); c.1794G>A, p.Thr598= (NM_030813.6).
Identifiers: ClinVar variation 476193 (VCV000476193.42), dbSNP rs141458508, ClinGen allele CA6171062.

ClinVar aggregate classification (germline): Likely benign. Review status: criteria provided, multiple submitters, no conflicts (2 of 4 stars). 7 submissions from 7 submitters: Likely benign (7). Last evaluated 2026-01-26.

Conditions:
CLPB-related disorder. Also called: CLPB-related condition.
3-methylglutaconic aciduria, type VIIB (MGCA7B). Also called: 3-methylglutaconic aciduria with cataracts, neurologic involvement and neutropenia; CLPB Deficiency; 3-methylglutaconic aciduria, type VII, with cataracts, neurologic involvement and neutropenia. Identifiers: Orphanet 445038, MedGen C5676893, MONDO:0014561, OMIM 616271.

Allele frequency attached by ClinVar (database versions not stated): 1000 Genomes Project 30x 0.00016; 1000 Genomes Project 0.00020; gnomAD 0.00031 and 0.00033; ExAC 0.00038; gnomAD exomes 0.00038 and 0.00064; TOPMed 0.00042; ESP Exome Variant Server 0.00062.
gnomAD v4.1: 982 of 1,614,166 alleles (0.061%); highest among the groups gnomAD compares: Non-Finnish European, 0.073%; 1 homozygote.

Submissions (7):

Labcorp Genetics (formerly Invitae), Labcorp
Classification: Likely benign for 3-methylglutaconic aciduria, type VIIB. Last evaluated: 2026-01-26. Review status: criteria provided, single submitter. Criteria: Invitae Variant Classification Sherloc (09022015). Collection method: clinical testing. Allele origin: germline.

Women's Health and Genetics/Laboratory Corporation of America, LabCorp
Classification: Likely benign. Last evaluated: 2026-01-22. Review status: criteria provided, single submitter. Criteria: LabCorp Variant Classification Summary - May 2015. Collection method: clinical testing. Allele origin: germline.

PreventionGenetics, part of Exact Sciences
Classification: Likely benign for CLPB-related condition. Last evaluated: 2026-01-13. Review status: criteria provided, single submitter. Criteria: ACMG Guidelines, 2015. Collection method: clinical testing. Allele origin: germline.
Comment: This variant is classified as likely benign based on ACMG/AMP sequence variant interpretation guidelines (Richards et al. 2015 PMID: 25741868, with internal and published modifications).

Mayo Clinic Laboratories, Mayo Clinic
Classification: Likely benign. Last evaluated: 2025-08-21. Review status: criteria provided, single submitter. Criteria: ACMG Guidelines, 2015. Collection method: clinical testing. Allele origin: germline. Observed: 3 variant alleles.
Comment: BP4, BP7

Blueprint Genetics
Classification: Likely benign. Last evaluated: 2024-11-14. Review status: criteria provided, single submitter. Criteria: ACMG Guidelines, 2015. Collection method: clinical testing. Allele origin: germline.

CeGaT Center for Human Genetics Tuebingen
Classification: Likely benign. Last evaluated: 2022-05-01. Review status: criteria provided, single submitter. Criteria: CeGaT Center For Human Genetics Tuebingen Variant Classification Criteria Version 2. Collection method: clinical testing. Allele origin: germline. Affected: yes. Observed: 2 variant alleles.
Comment: CLPB: BP4, BP7

GeneDx
Classification: Likely benign. Last evaluated: 2019-03-28. Review status: criteria provided, single submitter. Criteria: GeneDx Variant Classification Process June 2021. Collection method: clinical testing. Allele origin: germline. Affected: yes.